The following is an entry in ClinVar:

NM_002303.6(LEPR):c.821C>T (p.Ser274Leu)

Gene: LEPR (leptin receptor; plus strand). Cytogenetic location: 1p31.3.
Variant type: single nucleotide variant.
Coding change: c.821C>T on transcript NM_002303.6 (MANE Select); coding-DNA position 821, C replaced by T.
Protein change: p.Ser274Leu; replaces serine 274 with leucine.
Molecular consequence: missense variant.
Genome position (GRCh38, 1-based): chr1:65,596,565, C>T. VCF-style: chr1-65596565-C-T. GRCh37 (hg19) VCF-style: chr1-66062248-C-T.
Other names: c.821C>T, p.Ser274Leu (NM_001003679.3, NM_001003680.3, NM_001198687.2 and 2 more transcripts); short protein forms S274L.
Identifiers: ClinVar variation 4995158 (VCV004995158.1).

ClinVar aggregate classification (germline): Uncertain significance (1 of 4 stars; one submission).

Conditions:
LEPR-related disorder. Also called: LEPR-related condition; LEPR-related disorders.

Submission:

PreventionGenetics, part of Exact Sciences
Classification: Uncertain significance for LEPR-related condition. Last evaluated: 2025-11-26. Review status: criteria provided, single submitter. Criteria: ACMG Guidelines, 2015. Collection method: clinical testing. Allele origin: germline.
Comment: The LEPR c.821C>T variant is predicted to result in the amino acid substitution p.Ser274Leu. This variant was observed in a cohort of individuals with obesity, and in vitro functional studies showed function similar to wild-type levels (Supplemental Data Set, Shah et al. 2023. PubMed ID: 36864747). This variant is absent from a large population database (gnomAD), indicating this variant is rare. At this time, the clinical significance of this variant is uncertain due to the absence of conclusive functional and genetic evidence.